The following is an entry in ClinVar:

NM_139076.3(ABRAXAS1):c.368A>G (p.Glu123Gly)

Gene: ABRAXAS1 (abraxas 1, BRCA1 A complex subunit; minus strand). Cytogenetic location: 4q21.23.
Variant type: single nucleotide variant.
Coding change: c.368A>G on transcript NM_139076.3 (MANE Select); coding-DNA position 368, A replaced by G.
Protein change: p.Glu123Gly; replaces glutamic acid 123 with glycine.
Molecular consequence: missense variant.
Genome position (GRCh38, 1-based): chr4:83,470,311, T>C on the plus strand (A>G on the coding strand, the complement: ABRAXAS1 is on the minus strand). VCF-style: chr4-83470311-T-C. GRCh37 (hg19) VCF-style: chr4-84391464-T-C.
Other names: c.41A>G, p.Glu14Gly (NM_001345962.2); c.368A>G (NM_139076.2); short protein forms E123G, E14G.
Identifiers: ClinVar variation 2998795 (VCV002998795.4), dbSNP rs2529438185, ClinGen allele CA357259917.

ClinVar aggregate classification (germline): Uncertain significance. Review status: criteria provided, multiple submitters, no conflicts (2 of 4 stars). 2 submissions from 2 submitters: Uncertain significance (2). Last evaluated 2025-07-11.

Allele frequency attached by ClinVar (database versions not stated): gnomAD exomes below 0.00001.

Submissions (2):

Ambry Genetics
Classification: Uncertain significance. Last evaluated: 2025-07-11. Review status: criteria provided, single submitter. Criteria: Ambry Variant Classification Scheme 2023. Collection method: clinical testing. Allele origin: germline.
Comment: The p.E123G variant (also known as c.368A>G), located in coding exon 5 of the FAM175A gene, results from an A to G substitution at nucleotide position 368. The glutamic acid at codon 123 is replaced by glycine, an amino acid with similar properties. This amino acid position is conserved. In addition, this alteration is predicted to be tolerated by in silico analysis. Based on the available evidence, the clinical significance of this variant remains unclear.

Labcorp Genetics (formerly Invitae), Labcorp
Classification: Uncertain significance. Last evaluated: 2022-12-20. Review status: criteria provided, single submitter. Criteria: Invitae Variant Classification Sherloc (09022015). Collection method: clinical testing. Allele origin: germline.
Comment: This sequence change replaces glutamic acid, which is acidic and polar, with glycine, which is neutral and non-polar, at codon 123 of the ABRAXAS1 protein (p.Glu123Gly). This variant is not present in population databases (gnomAD no frequency). This variant has not been reported in the literature in individuals affected with ABRAXAS1-related conditions. Advanced modeling of protein sequence and biophysical properties (such as structural, functional, and spatial information, amino acid conservation, physicochemical variation, residue mobility, and thermodynamic stability) performed at Invitae indicates that this missense variant is not expected to disrupt ABRAXAS1 protein function. In summary, the available evidence is currently insufficient to determine the role of this variant in disease. Therefore, it has been classified as a Variant of Uncertain Significance.